The following is an entry in ClinVar:

ClinVar aggregate classification (germline): Uncertain significance (1 of 4 stars; one submission).

Conditions:
Hereditary cancer-predisposing syndrome. Also called: Neoplastic Syndromes, Hereditary; Tumor predisposition; Hereditary neoplastic syndrome; Hereditary Cancer Syndrome. Identifiers: Orphanet 140162, MedGen C0027672, MeSH D009386, MONDO:0015356.

Submission:

Ambry Genetics
Classification: Uncertain significance for Hereditary cancer-predisposing syndrome. Last evaluated: 2015-02-25. Review status: criteria provided, single submitter. Criteria: Ambry Variant Classification Scheme 2023. Collection method: clinical testing. Allele origin: germline.
Comment: The c.212-13T>C intronic alteration consists of a T to C substitution 13 nucleotides before coding exon 4 in the PALB2 gene. Based on insufficient or conflicting evidence, the clinical significance of this alteration remains unclear.

NM_024675.4(PALB2):c.212-13T>C

Gene: PALB2 (partner and localizer of BRCA2; minus strand). Cytogenetic location: 16p12.2.
Variant type: single nucleotide variant.
Coding change: c.212-13T>C on transcript NM_024675.4 (MANE Select); 13 bases into the intron before coding-DNA position 212, T replaced by C.
Molecular consequence: intron variant.
Genome position (GRCh38, 1-based): chr16:23,636,347, A>G on the plus strand (T>C on the coding strand, the complement: PALB2 is on the minus strand). VCF-style: chr16-23636347-A-G. GRCh37 (hg19) VCF-style: chr16-23647668-A-G.
Other names: c.-674-13T>C (NM_001407308.1, NM_001407306.1, NM_001407307.1 and 5 more transcripts); c.48+4763T>C (NM_001407314.1); c.-105+4763T>C (NM_001407313.1, NM_001407312.1); c.152-13T>C (NM_001407296.1); c.212-13T>C (NM_001407297.1, NM_001407302.1, NM_001407298.1 and 3 more transcripts).
Identifiers: ClinVar variation 3076164 (VCV003076164.1), dbSNP rs2506520226, ClinGen allele CA2825002432.